The following is an entry in ClinVar:

ClinVar aggregate classification (germline): Uncertain significance. Review status: criteria provided, multiple submitters, no conflicts (2 of 4 stars). 2 submissions from 2 submitters: Uncertain significance (2). Last evaluated 2025-10-22.

Conditions:
FLNB-Related Spectrum Disorders.

Allele frequency attached by ClinVar (database versions not stated): gnomAD 0.00001 and 0.00002; ExAC 0.00002; gnomAD exomes 0.00002; TOPMed 0.00002.
gnomAD v4.1: 33 of 1,613,830 alleles (0.002%); highest among the groups gnomAD compares: Non-Finnish European, 0.0011%; no homozygotes.

Submissions (2):

Labcorp Genetics (formerly Invitae), Labcorp
Classification: Uncertain significance. Last evaluated: 2025-10-22. Review status: criteria provided, single submitter. Criteria: Invitae Variant Classification Sherloc (09022015). Collection method: clinical testing. Allele origin: germline.
Comment: This sequence change replaces glutamic acid, which is acidic and polar, with glycine, which is neutral and non-polar, at codon 78 of the FLNB protein (p.Glu78Gly). This variant is present in population databases (rs756221503, gnomAD 0.03%). This variant has not been reported in the literature in individuals affected with FLNB-related conditions. ClinVar contains an entry for this variant (Variation ID: 346298). Invitae Evidence Modeling of protein sequence and biophysical properties (such as structural, functional, and spatial information, amino acid conservation, physicochemical variation, residue mobility, and thermodynamic stability) indicates that this missense variant is not expected to disrupt FLNB protein function with a negative predictive value of 80%. In summary, the available evidence is currently insufficient to determine the role of this variant in disease. Therefore, it has been classified as a Variant of Uncertain Significance.

Illumina Laboratory Services, Illumina
Classification: Uncertain significance for FLNB-Related Spectrum Disorders. Last evaluated: 2018-01-13. Review status: criteria provided, single submitter. Criteria: ICSL Variant Classification Criteria 13 December 2019. Collection method: clinical testing. Allele origin: germline.

NM_001457.4(FLNB):c.233A>G (p.Glu78Gly)

Gene: FLNB (filamin B; plus strand). Cytogenetic location: 3p14.3.
Variant type: single nucleotide variant.
Coding change: c.233A>G on transcript NM_001457.4 (MANE Select); coding-DNA position 233, A replaced by G.
Protein change: p.Glu78Gly; replaces glutamic acid 78 with glycine.
Molecular consequence: missense variant.
Genome position (GRCh38, 1-based): chr3:58,008,797, A>G. VCF-style: chr3-58008797-A-G. GRCh37 (hg19) VCF-style: chr3-57994524-A-G.
Other names: c.233A>G, p.Glu78Gly (NM_001164317.2, NM_001164318.2, NM_001164319.2); short protein forms E78G.
Identifiers: ClinVar variation 346298 (VCV000346298.9), dbSNP rs756221503, ClinGen allele CA2467477.